The following is an entry in ClinVar:

NM_001127222.2(CACNA1A):c.2911G>A (p.Asp971Asn)

Gene: CACNA1A (calcium voltage-gated channel subunit alpha1 A; minus strand). Cytogenetic location: 19p13.13.
Variant type: single nucleotide variant.
Coding change: c.2911G>A on transcript NM_001127222.2 (MANE Select); coding-DNA position 2911, G replaced by A.
Protein change: p.Asp971Asn; replaces aspartic acid 971 with asparagine.
Molecular consequence: missense variant.
Genome position (GRCh38, 1-based): chr19:13,298,722, C>T on the plus strand (G>A on the coding strand, the complement: CACNA1A is on the minus strand). VCF-style: chr19-13298722-C-T. GRCh37 (hg19) VCF-style: chr19-13409536-C-T.
Other names: c.2923G>A, p.Asp975Asn (NM_000068.4, NM_023035.3); c.2914G>A, p.Asp972Asn (NM_001127221.2, NM_001174080.2); short protein forms D971N, D972N, D975N.
Identifiers: ClinVar variation 4534873 (VCV004534873.6).

ClinVar aggregate classification (germline): Uncertain significance (1 of 4 stars; one submission).

gnomAD v4.1: 1 of 1,497,520 alleles (0.000067%); highest among the groups gnomAD compares: Non-Finnish European, 0.000089%; no homozygotes.

Submission:

CeGaT Center for Human Genetics Tuebingen
Classification: Uncertain significance. Last evaluated: 2025-10-01. Review status: criteria provided, single submitter. Criteria: CeGaT Center For Human Genetics Tuebingen Variant Classification Criteria Version 2. Collection method: clinical testing. Allele origin: germline. Affected: yes. Observed: 1 variant allele.
Comment: CACNA1A: PM2, PP3